The following is an entry in ClinVar:

ClinVar aggregate classification (germline): Likely benign. Review status: criteria provided, multiple submitters, no conflicts (2 of 4 stars). 2 submissions from 2 submitters: Likely benign (2). Last evaluated 2024-11-13.

Allele frequency attached by ClinVar (database versions not stated): ExAC 0.00333; 1000 Genomes Project 30x 0.00765.

Submissions (6):

Blueprint Genetics
Classification: Likely benign. Last evaluated: 2024-11-13. Review status: criteria provided, single submitter. Criteria: ACMG Guidelines, 2015. Collection method: clinical testing. Allele origin: germline.

CeGaT Center for Human Genetics Tuebingen
Classification: Likely benign. Last evaluated: 2024-02-01. Review status: criteria provided, single submitter. Criteria: CeGaT Center For Human Genetics Tuebingen Variant Classification Criteria Version 2. Collection method: clinical testing. Allele origin: germline. Affected: yes. Observed: 1 variant allele.
Comment: BMS1: BP4, BP7

Dr. Peter K. Rogan Lab, Western University
No classification provided (evidence only). Condition: Thyroid cancer, nonmedullary, 1. Review status: no classification provided. Collection method: in vitro. Allele origin: not applicable. Functional consequence: retained intron. Not counted in ClinVar's aggregate classification.

Dr. Peter K. Rogan Lab, Western University
No classification provided (evidence only). Condition: Thyroid cancer, nonmedullary, 1. Review status: no classification provided. Collection method: in vitro. Allele origin: not applicable. Functional consequence: retained intron. Not counted in ClinVar's aggregate classification.

Dr. Peter K. Rogan Lab, Western University
No classification provided (evidence only). Condition: Nonpapillary renal cell carcinoma. Review status: no classification provided. Collection method: in vitro. Allele origin: not applicable. Functional consequence: retained intron. Not counted in ClinVar's aggregate classification.

Dr. Peter K. Rogan Lab, Western University
No classification provided (evidence only). Condition: Malignant tumor of esophagus. Review status: no classification provided. Collection method: in vitro. Allele origin: not applicable. Functional consequence: retained intron. Not counted in ClinVar's aggregate classification.

NM_014753.4(BMS1):c.771G>T (p.Leu257=)

Gene: BMS1 (BMS1 ribosome biogenesis factor; plus strand). Cytogenetic location: 10q11.21.
Variant type: single nucleotide variant.
Coding change: c.771G>T on transcript NM_014753.4 (MANE Select); coding-DNA position 771, G replaced by T.
Protein change: p.Leu257=; no amino-acid change (leucine 257 retained).
Molecular consequence: synonymous variant.
Genome position (GRCh38, 1-based): chr10:42,791,761, G>T. VCF-style: chr10-42791761-G-T. GRCh37 (hg19) VCF-style: chr10-43287209-G-T.
Other names: NC_000010.10:g.43287209G>T.
Identifiers: ClinVar variation 3025232 (VCV003025232.24), dbSNP rs763681834, ClinGen allele CA5475514.